The following is an entry in ClinVar:

NM_001042492.3(NF1):c.5342del (p.Asp1781fs)

Gene: NF1 (neurofibromin 1; plus strand). Cytogenetic location: 17q11.2.
Variant type: Deletion.
Coding change: c.5342del on transcript NM_001042492.3 (MANE Select); coding-DNA position 5342, one base deleted (A; older notation c.5342delA).
Protein change: p.Asp1781fs; shifts the reading frame from aspartic acid 1781.
Molecular consequence: frameshift variant.
Genome position (GRCh38, 1-based): chr17:31,327,572, A deleted. VCF-style (leftmost placement, unchanged base first): chr17-31327571-GA-G. GRCh37 (hg19) VCF-style: chr17-29654589-GA-G.
Other names: c.5279delA, p.Asp1760Alafs (NM_000267.4); short protein forms D1760fs, D1781fs.
Identifiers: ClinVar variation 2753937 (VCV002753937.3), dbSNP rs2508705937, ClinGen allele CA2697559611.
Genomic context (GRCh38, chr17:31,327,571, plus strand): 5'-GCTGTCCAAGTAACTTCAGCAGAGCGAACAAAAGTCCTAGGGCAATCAGTCTTTCTAAAT[GA>G]CATTTATTATGCTTCGGAAATTGAAGAAATCTGCCTAGTAGATGAGAACCAGTTCACCTT-3'

ClinVar aggregate classification (germline): Pathogenic (1 of 4 stars; one submission).

Conditions:
Neurofibromatosis, type 1 (NF1). Also called: VON RECKLINGHAUSEN DISEASE; NEUROFIBROMATOSIS, TYPE I, SOMATIC; Peripheral type neurofibromatosis; Neurofibromatosis, type I. Identifiers: Orphanet 636, MedGen C0027831, MONDO:0018975, OMIM 162200. Disease mechanism: loss of function.

Submission:

Labcorp Genetics (formerly Invitae), Labcorp
Classification: Pathogenic for Neurofibromatosis, type 1. Last evaluated: 2023-08-19. Review status: criteria provided, single submitter. Criteria: Invitae Variant Classification Sherloc (09022015). Collection method: clinical testing. Allele origin: germline.
Comment: For these reasons, this variant has been classified as Pathogenic. This variant has not been reported in the literature in individuals affected with NF1-related conditions. This variant is not present in population databases (gnomAD no frequency). This sequence change creates a premature translational stop signal (p.Asp1760Alafs*13) in the NF1 gene. It is expected to result in an absent or disrupted protein product. Loss-of-function variants in NF1 are known to be pathogenic (PMID: 10712197, 23913538).

Literature cited by the submitters: PubMed 10712197; PubMed 23913538.